The following is an entry in ClinVar:

ClinVar aggregate classification (germline): Uncertain significance (1 of 4 stars; one submission).

Conditions:
Idiopathic generalized epilepsy. Also called: Generalised epilepsy; EIG. Identifiers: MedGen C0270850, MONDO:0005579, OMIM 600669.

Allele frequency attached by ClinVar (database versions not stated): TOPMed below 0.00001.

Submission:

Labcorp Genetics (formerly Invitae), Labcorp
Classification: Uncertain significance for Idiopathic generalized epilepsy. Last evaluated: 2022-02-03. Review status: criteria provided, single submitter. Criteria: Invitae Variant Classification Sherloc (09022015). Collection method: clinical testing. Allele origin: germline.
Comment: In summary, the available evidence is currently insufficient to determine the role of this variant in disease. Therefore, it has been classified as a Variant of Uncertain Significance. This sequence change falls in intron 8 of the CACNB4 gene. It does not directly change the encoded amino acid sequence of the CACNB4 protein. It affects a nucleotide within the consensus splice site. This variant is not present in population databases (gnomAD no frequency). This variant has not been reported in the literature in individuals affected with CACNB4-related conditions. ClinVar contains an entry for this variant (Variation ID: 643915). Variants that disrupt the consensus splice site are a relatively common cause of aberrant splicing (PMID: 17576681, 9536098). Algorithms developed to predict the effect of sequence changes on RNA splicing suggest that this variant is not likely to affect RNA splicing.

Literature cited by the submitters: PubMed 17576681; PubMed 9536098.

NM_000726.5(CACNB4):c.699+6A>G

Gene: CACNB4 (calcium voltage-gated channel auxiliary subunit beta 4; minus strand). Cytogenetic location: 2q23.3.
Variant type: single nucleotide variant.
Coding change: c.699+6A>G on transcript NM_000726.5 (MANE Select); 6 bases into the intron after coding-DNA position 699, A replaced by G.
Molecular consequence: intron variant.
Genome position (GRCh38, 1-based): chr2:151,870,525, T>C on the plus strand (A>G on the coding strand, the complement: CACNB4 is on the minus strand). VCF-style: chr2-151870525-T-C. GRCh37 (hg19) VCF-style: chr2-152727039-T-C.
Other names: c.45+6A>G (NM_001330114.2); c.558+6A>G (NM_001320722.3, NM_001330118.1); c.141+6A>G (NM_001330117.2); c.699+6A>G (NM_001145798.2); c.625+6A>G (NM_001330113.2); c.645+6A>G (NM_001005746.4); c.577+6A>G (NM_001330115.2); c.597+6A>G (NM_001005747.4); and 1 more.
Identifiers: ClinVar variation 643915 (VCV000643915.10), dbSNP rs1454032027, ClinGen allele CA429239812.